The following is an entry in ClinVar:

ClinVar aggregate classification (germline): Conflicting classifications of pathogenicity. Review status: criteria provided, conflicting classifications (1 of 4 stars). 4 submissions from 4 submitters: Uncertain significance (1); Likely benign (2). 1 of the submissions does not count toward it. Last evaluated 2025-07-07.

Conditions:
Hereditary breast ovarian cancer syndrome. Also called: Hereditary breast and ovarian cancer syndrome; Hereditary breast and ovarian cancer; Hereditary breast and ovarian cancer syndrome (HBOC); Breast and ovarian cancer; Hereditary breast and/or ovarian cancer syndrome; BRCA1- and BRCA2-Associated Hereditary Breast and Ovarian Cancer. Identifiers: Orphanet 145, MedGen C0677776, MeSH D061325, MONDO:0003582. Disease mechanism: loss of function.
Hereditary cancer-predisposing syndrome. Also called: Neoplastic Syndromes, Hereditary; Tumor predisposition; Hereditary neoplastic syndrome; Hereditary Cancer Syndrome. Identifiers: Orphanet 140162, MedGen C0027672, MeSH D009386, MONDO:0015356.
Breast-ovarian cancer, familial, susceptibility to, 2 (BROVCA2). Also called: BRCA2 Hereditary Breast and Ovarian Cancer. Identifiers: Orphanet 145, MedGen C2675520, MONDO:0012933, OMIM 612555. Disease mechanism: loss of function.

Allele frequency attached by ClinVar (database versions not stated): gnomAD exomes below 0.00001.
gnomAD v4.1: 1 of 1,614,136 alleles (0.000062%); highest among the groups gnomAD compares: Non-Finnish European, 0.000085%; no homozygotes.

Submissions (4):

Color Diagnostics, LLC DBA Color Health
Classification: Uncertain significance for Hereditary cancer-predisposing syndrome. Last evaluated: 2025-07-07. Review status: criteria provided, single submitter. Criteria: ACMG Guidelines, 2015. Collection method: clinical testing. Allele origin: germline.
Comment: This missense variant replaces threonine with isoleucine at codon 3306 of the BRCA2 protein. Computational prediction suggests that this variant may not impact protein structure and function. To our knowledge, functional studies have not been reported for this variant. This variant has been detected in a breast cancer case-control meta-analysis in 1/60466 cases and 0/53461 unaffected individuals (PMID: 33471991Leiden Open Variation Database DB-ID BRCA2_008806). This variant has not been identified in the general population by the Genome Aggregation Database (gnomAD). The available evidence is insufficient to determine the role of this variant in disease conclusively. Therefore, this variant is classified as a Variant of Uncertain Significance.

Labcorp Genetics (formerly Invitae), Labcorp
Classification: Likely benign for Hereditary breast ovarian cancer syndrome. Last evaluated: 2023-08-30. Review status: criteria provided, single submitter. Criteria: Invitae Variant Classification Sherloc (09022015). Collection method: clinical testing. Allele origin: germline.

Ambry Genetics
Classification: Likely benign for Hereditary cancer-predisposing syndrome. Last evaluated: 2019-09-20. Review status: criteria provided, single submitter. Criteria: Ambry Variant Classification Scheme 2023. Collection method: clinical testing. Allele origin: germline.

Breast Cancer Information Core (BIC) (BRCA2)
Classification: Uncertain significance for Breast-ovarian cancer, familial 2. Last evaluated: 2003-12-23. Review status: no assertion criteria provided. Collection method: clinical testing. Allele origin: germline. Affected: yes. Observed: 1 variant allele. Not counted in ClinVar's aggregate classification.

Literature cited by the submitters: PubMed 33471991 (cited by Color Diagnostics, LLC DBA Color Health).

NM_000059.4(BRCA2):c.9917C>T (p.Thr3306Ile)

Gene: BRCA2 (BRCA2 DNA repair associated; plus strand). Cytogenetic location: 13q13.1.
Variant type: single nucleotide variant.
Coding change: c.9917C>T on transcript NM_000059.4 (MANE Select); coding-DNA position 9917, C replaced by T.
Protein change: p.Thr3306Ile; replaces threonine 3306 with isoleucine.
Molecular consequence: missense variant.
Genome position (GRCh38, 1-based): chr13:32,398,430, C>T. VCF-style: chr13-32398430-C-T. GRCh37 (hg19) VCF-style: chr13-32972567-C-T.
Other names: short protein forms T3306I.
Identifiers: ClinVar variation 52915 (VCV000052915.14), dbSNP rs80359250, ClinGen allele CA026331.